The following is an entry in ClinVar:

NM_024589.3(ROGDI):c.667G>A (p.Ala223Thr)

Gene: ROGDI (rogdi atypical leucine zipper; minus strand). Cytogenetic location: 16p13.3.
Variant type: single nucleotide variant.
Coding change: c.667G>A on transcript NM_024589.3 (MANE Select); coding-DNA position 667, G replaced by A.
Protein change: p.Ala223Thr; replaces alanine 223 with threonine.
Molecular consequence: missense variant. On other transcripts: non-coding transcript variant (1).
Genome position (GRCh38, 1-based): chr16:4,797,966, C>T on the plus strand (G>A on the coding strand, the complement: ROGDI is on the minus strand). VCF-style: chr16-4797966-C-T. GRCh37 (hg19) VCF-style: chr16-4847967-C-T.
Other names: c.667G>A (NM_024589.1); short protein forms A223T.
Identifiers: ClinVar variation 1047668 (VCV001047668.8), dbSNP rs756917973, ClinGen allele CA7882560.

ClinVar aggregate classification (germline): Uncertain significance. Review status: criteria provided, multiple submitters, no conflicts (2 of 4 stars). 3 submissions from 3 submitters: Uncertain significance (3). Last evaluated 2024-05-30.

Conditions:
Inborn genetic diseases. Identifiers: MedGen C0950123, MeSH D030342.
Amelocerebrohypohidrotic syndrome (KTZS). Also called: EPILEPSY AND YELLOW TEETH; EPILEPSY, DEMENTIA, AND AMELOGENESIS IMPERFECTA; KOHLSCHUTTER SYNDROME; Kohlschutter's syndrome. Identifiers: Orphanet 1946, MedGen C0406740, MONDO:0009185, OMIM 226750.

Allele frequency attached by ClinVar (database versions not stated): TOPMed 0.00006.
gnomAD v4.1: 93 of 1,606,096 alleles (0.0058%); highest among the groups gnomAD compares: South Asian, 0.017%; no homozygotes.

Submissions (3):

Ambry Genetics
Classification: Uncertain significance for Inborn genetic diseases. Last evaluated: 2024-05-30. Review status: criteria provided, single submitter. Criteria: Ambry Variant Classification Scheme 2023. Collection method: clinical testing. Allele origin: germline.

Blueprint Genetics
Classification: Uncertain significance. Last evaluated: 2023-12-05. Review status: criteria provided, single submitter. Criteria: ACMG Guidelines, 2015. Collection method: clinical testing. Allele origin: germline.

Labcorp Genetics (formerly Invitae), Labcorp
Classification: Uncertain significance for Amelocerebrohypohidrotic syndrome. Last evaluated: 2021-08-27. Review status: criteria provided, single submitter. Criteria: Invitae Variant Classification Sherloc (09022015). Collection method: clinical testing. Allele origin: germline.
Comment: This sequence change replaces alanine with threonine at codon 223 of the ROGDI protein (p.Ala223Thr). The alanine residue is moderately conserved and there is a small physicochemical difference between alanine and threonine. This variant is present in population databases (rs756917973, ExAC 0.02%). This variant has not been reported in the literature in individuals affected with ROGDI-related conditions. Algorithms developed to predict the effect of missense changes on protein structure and function (SIFT, PolyPhen-2, Align-GVGD) all suggest that this variant is likely to be tolerated. In summary, the available evidence is currently insufficient to determine the role of this variant in disease. Therefore, it has been classified as a Variant of Uncertain Significance.